The following is an entry in ClinVar:

NM_000451.4(SHOX):c.277+8C>T

Gene: SHOX (SHOX homeobox; plus strand). Cytogenetic location: Yp11.2.
Variant type: single nucleotide variant.
Coding change: c.277+8C>T on transcript NM_000451.4 (MANE Select); 8 bases into the intron after coding-DNA position 277, C replaced by T.
Molecular consequence: intron variant.
Genome position (GRCh38, 1-based): chrX:631,182, C>T. VCF-style: chrX-631182-C-T. GRCh37 (hg19) VCF-style: chrX-591917-C-T.
Other names: c.277+8C>T (NM_006883.2).
Identifiers: ClinVar variation 2577288 (VCV002577288.1), dbSNP rs776968719, ClinGen allele CA10329880.

ClinVar aggregate classification (germline): Uncertain significance (1 of 4 stars; one submission).

Allele frequency attached by ClinVar (database versions not stated): ExAC 0.00001; gnomAD exomes 0.00001; gnomAD 0.00002; TOPMed 0.00004.
gnomAD v4.1: 20 of 1,612,276 alleles (0.0012%); highest among the groups gnomAD compares: Admixed American, 0.022%; no homozygotes.

Submission:

Women's Health and Genetics/Laboratory Corporation of America, LabCorp
Classification: Uncertain significance. Last evaluated: 2023-07-27. Review status: criteria provided, single submitter. Criteria: LabCorp Variant Classification Summary - May 2015. Collection method: clinical testing. Allele origin: germline.
Comment: Variant summary: SHOX c.277+8C>T alters a non-conserved nucleotide located close to a canonical splice site and therefore could affect mRNA splicing, leading to a significantly altered protein sequence. 4/4 computational tools predict no significant impact on normal splicing. However, these predictions have yet to be confirmed by functional studies. The variant allele was found at a frequency of 3.2e-05 in 249116 control chromosomes. The available data on variant occurrences in the general population are insufficient to allow any conclusion about variant significance. To our knowledge, no occurrence of c.277+8C>T in individuals affected with Leri-Weill Dyschondrosteosis and no experimental evidence demonstrating its impact on protein function have been reported. No submitters have cited clinical-significance assessments for this variant to ClinVar after 2014. Based on the evidence outlined above, the variant was classified as uncertain significance.